The following is an entry in ClinVar:

NM_000179.3(MSH6):c.2327A>T (p.Gln776Leu)

Gene: MSH6 (mutS homolog 6; plus strand). Cytogenetic location: 2p16.3.
Variant type: single nucleotide variant.
Coding change: c.2327A>T on transcript NM_000179.3 (MANE Select); coding-DNA position 2327, A replaced by T.
Protein change: p.Gln776Leu; replaces glutamine 776 with leucine.
Molecular consequence: missense variant.
Genome position (GRCh38, 1-based): chr2:47,800,310, A>T. VCF-style: chr2-47800310-A-T. GRCh37 (hg19) VCF-style: chr2-48027449-A-T.
Other names: c.1937A>T, p.Gln646Leu (NM_001281492.2); c.1421A>T, p.Gln474Leu (NM_001281493.2, NM_001281494.2); short protein forms Q474L, Q646L, Q776L.
Identifiers: ClinVar variation 923599 (VCV000923599.7), dbSNP rs1669449123, ClinGen allele CA346753313.

ClinVar aggregate classification (germline): Uncertain significance. Review status: criteria provided, multiple submitters, no conflicts (2 of 4 stars). 2 submissions from 2 submitters: Uncertain significance (2). Last evaluated 2024-03-06.

Conditions:
Hereditary nonpolyposis colorectal neoplasms. Identifiers: MedGen C0009405, MeSH D003123.
Hereditary cancer-predisposing syndrome. Also called: Neoplastic Syndromes, Hereditary; Tumor predisposition; Hereditary Cancer Syndrome; Hereditary neoplastic syndrome. Identifiers: Orphanet 140162, MedGen C0027672, MeSH D009386, MONDO:0015356.

Submissions (2):

Color Diagnostics, LLC DBA Color Health
Classification: Uncertain significance for Hereditary cancer-predisposing syndrome. Last evaluated: 2024-03-06. Review status: criteria provided, single submitter. Criteria: ACMG Guidelines, 2015. Collection method: clinical testing. Allele origin: germline.
Comment: This missense variant replaces glutamine with leucine at codon 776 of the MSH6 protein. Computational prediction tool is inconclusive regarding the impact of this variant on protein structure and function (internally defined REVEL score threshold 0.5 < inconclusive < 0.7, PMID: 27666373). Splice site prediction tools suggest that this variant may not impact RNA splicing. To our knowledge, functional studies have not been performed for this variant. This variant has not been reported in individuals affected with hereditary cancer in the literature. This variant has not been identified in the general population by the Genome Aggregation Database (gnomAD). The available evidence is insufficient to determine the role of this variant in disease conclusively. Therefore, this variant is classified as a Variant of Uncertain Significance.

Labcorp Genetics (formerly Invitae), Labcorp
Classification: Uncertain significance for Hereditary nonpolyposis colorectal neoplasms. Last evaluated: 2023-01-26. Review status: criteria provided, single submitter. Criteria: Invitae Variant Classification Sherloc (09022015). Collection method: clinical testing. Allele origin: germline.
Comment: This sequence change replaces glutamine, which is neutral and polar, with leucine, which is neutral and non-polar, at codon 776 of the MSH6 protein (p.Gln776Leu). This variant is not present in population databases (gnomAD no frequency). This variant has not been reported in the literature in individuals affected with MSH6-related conditions. ClinVar contains an entry for this variant (Variation ID: 923599). Advanced modeling of protein sequence and biophysical properties (such as structural, functional, and spatial information, amino acid conservation, physicochemical variation, residue mobility, and thermodynamic stability) has been performed at Invitae for this missense variant, however the output from this modeling did not meet the statistical confidence thresholds required to predict the impact of this variant on MSH6 protein function. In summary, the available evidence is currently insufficient to determine the role of this variant in disease. Therefore, it has been classified as a Variant of Uncertain Significance.